The following is an entry in ClinVar:

ClinVar aggregate classification (germline): Pathogenic (1 of 4 stars; one submission).

Submission:

Labcorp Genetics (formerly Invitae), Labcorp
Classification: Pathogenic. Last evaluated: 2023-03-17. Review status: criteria provided, single submitter. Criteria: Invitae Variant Classification Sherloc (09022015). Collection method: clinical testing. Allele origin: germline.
Comment: For these reasons, this variant has been classified as Pathogenic. This variant has not been reported in the literature in individuals affected with PHEX-related conditions. This variant is not present in population databases (gnomAD no frequency). This sequence change creates a premature translational stop signal (p.Ile123Serfs*21) in the PHEX gene. It is expected to result in an absent or disrupted protein product. Loss-of-function variants in PHEX are known to be pathogenic (PMID: 9097956, 9106524, 19219621).

Literature cited by the submitters: PubMed 9097956; PubMed 9106524; PubMed 19219621.

NM_000444.6(PHEX):c.367del (p.Ile123fs)

Gene: PHEX (phosphate regulating endopeptidase X-linked; plus strand). Cytogenetic location: Xp22.11.
Variant type: Deletion.
Coding change: c.367del on transcript NM_000444.6 (MANE Select); coding-DNA position 367, one base deleted (A; older notation c.367delA).
Protein change: p.Ile123fs; shifts the reading frame from isoleucine 123.
Molecular consequence: frameshift variant.
Genome position (GRCh38, 1-based): chrX:22,076,405, A deleted; the last of 2 consecutive A bases (chrX:22,076,404-22,076,405); deleting either gives the same sequence. VCF-style (leftmost placement, unchanged base first): chrX-22076403-CA-C. GRCh37 (hg19) VCF-style: chrX-22094521-CA-C.
Other names: c.367del, p.Ile123fs (NM_001282754.2); short protein forms I123fs.
Identifiers: ClinVar variation 2846402 (VCV002846402.3), dbSNP rs2519752677, ClinGen allele CA2739268111.